The following is an entry in ClinVar:

ClinVar aggregate classification (germline): Uncertain significance. Review status: criteria provided, multiple submitters, no conflicts (2 of 4 stars). 2 submissions from 2 submitters: Uncertain significance (2). Last evaluated 2025-12-08.

Conditions:
Inborn genetic diseases. Identifiers: MedGen C0950123, MeSH D030342.

Allele frequency attached by ClinVar (database versions not stated): gnomAD 0.00006; TOPMed 0.00007; gnomAD exomes 0.00018.
gnomAD v4.1: 132 of 855,916 alleles (0.015%); highest among the groups gnomAD compares: Non-Finnish European, 0.018%; no homozygotes.

Submissions (2):

Labcorp Genetics (formerly Invitae), Labcorp
Classification: Uncertain significance. Last evaluated: 2025-12-08. Review status: criteria provided, single submitter. Criteria: Invitae Variant Classification Sherloc (09022015). Collection method: clinical testing. Allele origin: germline.
Comment: This sequence change replaces proline, which is neutral and non-polar, with leucine, which is neutral and non-polar, at codon 52 of the KCNC3 protein (p.Pro52Leu). The frequency data for this variant in the population databases is considered unreliable, as metrics indicate insufficient coverage at this position in the gnomAD database. This variant has not been reported in the literature in individuals affected with KCNC3-related conditions. ClinVar contains an entry for this variant (Variation ID: 2886576). Invitae Evidence Modeling of protein sequence and biophysical properties (such as structural, functional, and spatial information, amino acid conservation, physicochemical variation, residue mobility, and thermodynamic stability) indicates that this missense variant is not expected to disrupt KCNC3 protein function with a negative predictive value of 95%. In summary, the available evidence is currently insufficient to determine the role of this variant in disease. Therefore, it has been classified as a Variant of Uncertain Significance.

Ambry Genetics
Classification: Uncertain significance for Inborn genetic diseases. Last evaluated: 2025-08-01. Review status: criteria provided, single submitter. Criteria: Ambry Variant Classification Scheme 2023. Collection method: clinical testing. Allele origin: germline.

NM_004977.3(KCNC3):c.155C>T (p.Pro52Leu)

Gene: KCNC3 (potassium voltage-gated channel subfamily C member 3; minus strand). Cytogenetic location: 19q13.33.
Variant type: single nucleotide variant.
Coding change: c.155C>T on transcript NM_004977.3 (MANE Select); coding-DNA position 155, C replaced by T.
Protein change: p.Pro52Leu; replaces proline 52 with leucine.
Molecular consequence: missense variant. On other transcripts: 5 prime UTR variant (1).
Genome position (GRCh38, 1-based): chr19:50,328,928, G>A on the plus strand (C>T on the coding strand, the complement: KCNC3 is on the minus strand). VCF-style: chr19-50328928-G-A. GRCh37 (hg19) VCF-style: chr19-50832185-G-A.
Other names: c.155C>T (NM_004977.2); c.-74C>T (NM_001372305.1); short protein forms P52L.
Identifiers: ClinVar variation 2886576 (VCV002886576.4), dbSNP rs990091211, ClinGen allele CA309576144.